The following is an entry in ClinVar:

ClinVar aggregate classification (germline): Uncertain significance. Review status: criteria provided, multiple submitters, no conflicts (2 of 4 stars). 2 submissions from 2 submitters: Uncertain significance (2). Last evaluated 2025-02-19.

Conditions:
Baller-Gerold syndrome (BGS). Also called: CRANIOSYNOSTOSIS WITH RADIAL DEFECTS. Identifiers: Orphanet 1225, MedGen C0265308, MONDO:0009039, OMIM 218600.
Inborn genetic diseases. Identifiers: MedGen C0950123, MeSH D030342.

Allele frequency attached by ClinVar (database versions not stated): gnomAD exomes below 0.00001; TOPMed below 0.00001; gnomAD 0.00002.

Submissions (2):

Ambry Genetics
Classification: Uncertain significance for Inborn genetic diseases. Last evaluated: 2025-02-19. Review status: criteria provided, single submitter. Criteria: Ambry Variant Classification Scheme 2023. Collection method: clinical testing. Allele origin: germline.
Comment: The p.P307S variant (also known as c.919C>T), located in coding exon 5 of the RECQL4 gene, results from a C to T substitution at nucleotide position 919. The proline at codon 307 is replaced by serine, an amino acid with similar properties. This amino acid position is conserved. In addition, this alteration is predicted to be tolerated by in silico analysis. Based on the available evidence, the clinical significance of this variant remains unclear.

Labcorp Genetics (formerly Invitae), Labcorp
Classification: Uncertain significance for Baller-Gerold syndrome. Last evaluated: 2023-03-17. Review status: criteria provided, single submitter. Criteria: Invitae Variant Classification Sherloc (09022015). Collection method: clinical testing. Allele origin: germline.
Comment: In summary, the available evidence is currently insufficient to determine the role of this variant in disease. Therefore, it has been classified as a Variant of Uncertain Significance. Advanced modeling of protein sequence and biophysical properties (such as structural, functional, and spatial information, amino acid conservation, physicochemical variation, residue mobility, and thermodynamic stability) performed at Invitae indicates that this missense variant is not expected to disrupt RECQL4 protein function. ClinVar contains an entry for this variant (Variation ID: 665286). This variant has not been reported in the literature in individuals affected with RECQL4-related conditions. This variant is present in population databases (no rsID available, gnomAD 0.004%). This sequence change replaces proline, which is neutral and non-polar, with serine, which is neutral and polar, at codon 307 of the RECQL4 protein (p.Pro307Ser).

NM_004260.4(RECQL4):c.919C>T (p.Pro307Ser)

Gene: RECQL4 (RecQ like helicase 4; minus strand). Cytogenetic location: 8q24.3.
Variant type: single nucleotide variant.
Coding change: c.919C>T on transcript NM_004260.4 (MANE Select); coding-DNA position 919, C replaced by T.
Protein change: p.Pro307Ser; replaces proline 307 with serine.
Molecular consequence: missense variant.
Genome position (GRCh38, 1-based): chr8:144,516,200, G>A on the plus strand (C>T on the coding strand, the complement: RECQL4 is on the minus strand). VCF-style: chr8-144516200-G-A. GRCh37 (hg19) VCF-style: chr8-145741584-G-A.
Other names: short protein forms P307S.
Identifiers: ClinVar variation 665286 (VCV000665286.6), dbSNP rs1338979565, ClinGen allele CA372688658.